The following is an entry in ClinVar:

NM_014975.3(MAST1):c.1136del (p.Leu379fs)

Gene: MAST1 (microtubule associated serine/threonine kinase 1; plus strand). Cytogenetic location: 19p13.13.
Variant type: Deletion.
Coding change: c.1136del on transcript NM_014975.3 (MANE Select); coding-DNA position 1136, one base deleted (T; older notation c.1136delT).
Protein change: p.Leu379fs; shifts the reading frame from leucine 379.
Molecular consequence: frameshift variant.
Genome position (GRCh38, 1-based): chr19:12,858,420, T deleted. VCF-style (leftmost placement, unchanged base first): chr19-12858419-CT-C. GRCh37 (hg19) VCF-style: chr19-12969233-CT-C.
Other names: short protein forms L379fs.
Identifiers: ClinVar variation 4281891 (VCV004281891.3).
Genomic context (GRCh38, chr19:12,858,419, plus strand): 5'-AAGGGCCGCAGCAGCAAGGCCAAGAAACCGCCGGGGGAGAATGACTTCGATACCATCAAG[CT>C]CATAAGCAACGGTGCCTACGGGTGAGCCACCCGGGGCTCTGGCGGGGGGAGGGTGGCGGA-3'

ClinVar aggregate classification (germline): Uncertain significance. Review status: criteria provided, multiple submitters, no conflicts (2 of 4 stars). 2 submissions from 2 submitters: Uncertain significance (2). Last evaluated 2026-05-15.

Submissions (2):

GeneDx
Classification: Uncertain significance. Last evaluated: 2026-05-15. Review status: criteria provided, single submitter. Criteria: GeneDx Variant Classification Process June 2021. Collection method: clinical testing. Allele origin: germline.
Comment: Frameshift variant predicted to result in protein truncation or nonsense mediated decay in a gene or region of a gene for which loss of function is not a well-established mechanism of disease; Has not been previously published as pathogenic or benign to our knowledge

Blueprint Genetics
Classification: Uncertain significance. Last evaluated: 2022-06-30. Review status: criteria provided, single submitter. Criteria: ACMG Guidelines, 2015. Collection method: clinical testing. Allele origin: germline.